The following is an entry in ClinVar:

ClinVar aggregate classification (germline): Pathogenic (1 of 4 stars; one submission).

Allele frequency attached by ClinVar (database versions not stated): TOPMed below 0.00001; gnomAD 0.00001; gnomAD exomes 0.00001.

Submission:

Labcorp Genetics (formerly Invitae), Labcorp
Classification: Pathogenic. Last evaluated: 2022-12-15. Review status: criteria provided, single submitter. Criteria: Invitae Variant Classification Sherloc (09022015). Collection method: clinical testing. Allele origin: germline.
Comment: For these reasons, this variant has been classified as Pathogenic. This variant has not been reported in the literature in individuals affected with CC2D1A-related conditions. This variant is not present in population databases (gnomAD no frequency). This sequence change creates a premature translational stop signal (p.Ile603Asnfs*3) in the CC2D1A gene. It is expected to result in an absent or disrupted protein product. Loss-of-function variants in CC2D1A are known to be pathogenic (PMID: 16033914).

Literature cited by the submitters: PubMed 16033914.

NM_017721.5(CC2D1A):c.1807dup (p.Ile603fs)

Gene: CC2D1A (coiled-coil and C2 domain containing 1A; plus strand). Cytogenetic location: 19p13.12.
Variant type: Duplication.
Coding change: c.1807dup on transcript NM_017721.5 (MANE Select); coding-DNA position 1807, one base duplicated (A; older notation c.1807dupA).
Protein change: p.Ile603fs; shifts the reading frame from isoleucine 603.
Molecular consequence: frameshift variant.
Genome position (GRCh38, 1-based): chr19:13,923,590, A duplicated. VCF-style (leftmost placement, unchanged base first): chr19-13923589-C-CA. GRCh37 (hg19) VCF-style: chr19-14034402-C-CA.
Other names: c.1807dup, p.Ile603fs (NM_001411138.1); short protein forms I603fs.
Identifiers: ClinVar variation 2820954 (VCV002820954.3), dbSNP rs1971486578, ClinGen allele CA993787149.